The following is an entry in ClinVar:

ClinVar aggregate classification (germline): Benign. Review status: criteria provided, multiple submitters, no conflicts (2 of 4 stars). 4 submissions from 4 submitters: Benign (4). Last evaluated 2021-08-10.

Conditions:
Premature ovarian failure 6 (POF6). Identifiers: MedGen C2676742, MONDO:0012861, OMIM 612310.

Allele frequency attached by ClinVar (database versions not stated): TOPMed 0.66426; ESP Exome Variant Server 0.62669; ExAC 0.62314; gnomAD 0.65189 and 0.64971; 1000 Genomes Project 30x 0.76031; gnomAD exomes 0.56417 and 0.62526; 1000 Genomes Project 0.76298.
gnomAD v4.1: 924,973 of 1,613,180 alleles (57%); highest among the groups gnomAD compares: East Asian, 92%; 273,140 homozygotes.

Submissions (4):

Genome-Nilou Lab
Classification: Benign for Premature ovarian failure 6. Last evaluated: 2021-08-10. Review status: criteria provided, single submitter. Criteria: ACMG Guidelines, 2015. Collection method: clinical testing. Allele origin: germline. Affected: no.

Illumina Laboratory Services, Illumina
Classification: Benign for Premature ovarian failure 6. Last evaluated: 2018-01-13. Review status: criteria provided, single submitter. Criteria: ICSL Variant Classification Criteria 13 December 2019. Collection method: clinical testing. Allele origin: germline.
Comment: This variant was observed in the ICSL laboratory as part of a predisposition screen in an ostensibly healthy population. It had not been previously curated by ICSL or reported in the Human Gene Mutation Database (HGMD: prior to June 1st, 2018), and was therefore a candidate for classification through an automated scoring system. Utilizing variant allele frequency, disease prevalence and penetrance estimates, and inheritance mode, an automated score was calculated to assess if this variant is too frequent to cause the disease. Based on the score and internal cut-off values, a variant classified as benign is not then subjected to further curation. The score for this variant resulted in a classification of benign for this disease.

GeneDx
Classification: Benign. Last evaluated: 2015-03-03. Review status: criteria provided, single submitter. Criteria: GeneDx Variant Classification Process June 2021. Collection method: clinical testing. Allele origin: germline. Affected: yes.
Comment: This variant is associated with the following publications: (PMID: 25314148)

Breakthrough Genomics
Classification: Benign. Review status: criteria provided, single submitter. Criteria: ACMG Guidelines, 2015. Collection method: not provided. Allele origin: germline. Inheritance: Autosomal dominant inheritance. Affected: yes.

NM_001004311.3(FIGLA):c.422G>C (p.Ser141Thr)

Gene: FIGLA (folliculogenesis specific bHLH transcription factor; minus strand). Cytogenetic location: 2p13.3.
Variant type: single nucleotide variant.
Coding change: c.422G>C on transcript NM_001004311.3 (MANE Select); coding-DNA position 422, G replaced by C.
Protein change: p.Ser141Thr; replaces serine 141 with threonine.
Molecular consequence: missense variant.
Genome position (GRCh38, 1-based): chr2:70,785,602, C>G on the plus strand (G>C on the coding strand, the complement: FIGLA is on the minus strand). VCF-style: chr2-70785602-C-G. GRCh37 (hg19) VCF-style: chr2-71012734-C-G.
Other names: short protein forms S141T.
Identifiers: ClinVar variation 336909 (VCV000336909.9), dbSNP rs7566476, ClinGen allele CA1699650.